The following is an entry in ClinVar:

NM_015295.3(SMCHD1):c.2672A>C (p.Lys891Thr)

Gene: SMCHD1 (structural maintenance of chromosomes flexible hinge domain containing 1; plus strand). Cytogenetic location: 18p11.32.
Variant type: single nucleotide variant.
Coding change: c.2672A>C on transcript NM_015295.3 (MANE Select); coding-DNA position 2672, A replaced by C.
Protein change: p.Lys891Thr; replaces lysine 891 with threonine.
Molecular consequence: missense variant.
Genome position (GRCh38, 1-based): chr18:2,724,967, A>C. VCF-style: chr18-2724967-A-C. GRCh37 (hg19) VCF-style: chr18-2724965-A-C.
Other names: short protein forms K891T.
Identifiers: ClinVar variation 2805867 (VCV002805867.3), dbSNP rs2143425301, ClinGen allele CA401682202.

ClinVar aggregate classification (germline): Uncertain significance (1 of 4 stars; one submission).

Conditions:
Facioscapulohumeral muscular dystrophy 2 (FSHD2). Also called: FACIOSCAPULOHUMERAL MUSCULAR DYSTROPHY 2, DIGENIC; FSHD2, DIGENIC; MUSCULAR DYSTROPHY, FACIOSCAPULOHUMERAL, TYPE 1B. Identifiers: Orphanet 269, MedGen C1834671, MONDO:0008031, OMIM 158901.

Submission:

Labcorp Genetics (formerly Invitae), Labcorp
Classification: Uncertain significance for Facioscapulohumeral muscular dystrophy 2. Last evaluated: 2023-05-30. Review status: criteria provided, single submitter. Criteria: Invitae Variant Classification Sherloc (09022015). Collection method: clinical testing. Allele origin: germline.
Comment: In summary, the available evidence is currently insufficient to determine the role of this variant in disease. Therefore, it has been classified as a Variant of Uncertain Significance. Advanced modeling of protein sequence and biophysical properties (such as structural, functional, and spatial information, amino acid conservation, physicochemical variation, residue mobility, and thermodynamic stability) performed at Invitae indicates that this missense variant is not expected to disrupt SMCHD1 protein function. This variant has not been reported in the literature in individuals affected with SMCHD1-related conditions. This variant is not present in population databases (gnomAD no frequency). This sequence change replaces lysine, which is basic and polar, with threonine, which is neutral and polar, at codon 891 of the SMCHD1 protein (p.Lys891Thr).